The following is an entry in ClinVar:

NM_003468.4(FZD5):c.458G>A (p.Ser153Asn)

Gene: FZD5 (frizzled class receptor 5; minus strand). Cytogenetic location: 2q33.3.
Variant type: single nucleotide variant.
Coding change: c.458G>A on transcript NM_003468.4 (MANE Select); coding-DNA position 458, G replaced by A.
Protein change: p.Ser153Asn; replaces serine 153 with asparagine.
Molecular consequence: missense variant.
Genome position (GRCh38, 1-based): chr2:207,768,282, C>T on the plus strand (G>A on the coding strand, the complement: FZD5 is on the minus strand). VCF-style: chr2-207768282-C-T. GRCh37 (hg19) VCF-style: chr2-208633006-C-T.
Other names: short protein forms S153N.
Identifiers: ClinVar variation 4885355 (VCV004885355.2).

ClinVar aggregate classification (germline): Uncertain significance (1 of 4 stars; one submission).

Submission:

Dasa
Classification: Uncertain significance. Last evaluated: 2024-07-17. Review status: criteria provided, single submitter. Criteria: DASA Assertion Criteria. Collection method: clinical testing. Allele origin: germline.
Comment: NM_003468.4(FZD5):c.458G>A (p.Ser153Asn) is a missense variant that results in the substitution of serine with asparagine. This variant is absent from population databases. Computational prediction algorithms are consistent with a benign effect. The currently available literature and clinical evidence are not sufficient to establish a definitive association between this variant and the reported condition. Therefore, this variant is classified as a variant of uncertain significance.